The following is an entry in ClinVar:

ClinVar aggregate classification (germline): Uncertain significance. Review status: criteria provided, multiple submitters, no conflicts (2 of 4 stars). 4 submissions from 4 submitters: Uncertain significance (4). Last evaluated 2025-06-11.

Conditions:
Hereditary cancer-predisposing syndrome. Also called: Neoplastic Syndromes, Hereditary; Tumor predisposition; Hereditary Cancer Syndrome; Hereditary neoplastic syndrome. Identifiers: Orphanet 140162, MedGen C0027672, MeSH D009386, MONDO:0015356.
Familial adenomatous polyposis 1 (FAP1). Also called: FAMILIAL ADENOMATOUS POLYPOSIS 1, ATTENUATED; POLYPOSIS, ADENOMATOUS INTESTINAL. Identifiers: MedGen C2713442, MONDO:0021056, OMIM 175100. Disease mechanism: loss of function.

gnomAD v4.1: 2 of 1,612,900 alleles (0.00012%); no homozygotes.

Submissions (4):

Quest Diagnostics Nichols Institute San Juan Capistrano
Classification: Uncertain significance. Last evaluated: 2025-06-11. Review status: criteria provided, single submitter. Criteria: Quest Diagnostics criteria. Collection method: clinical testing. Allele origin: unknown.
Comment: The APC c.5494G>A (p.Asp1832Asn) variant has not been reported in individuals with APC-related conditions in the published literature. The frequency of this variant in the general population (Genome Aggregation Database) is uninformative in the assessment of its pathogenicity. Analysis of this variant using bioinformatics tools for the prediction of the effect of amino acid changes on protein structure and function yielded predictions that this variant is benign. Based on the available information, we are unable to determine the clinical significance of this variant.

Ambry Genetics
Classification: Uncertain significance for Hereditary cancer-predisposing syndrome. Last evaluated: 2025-03-19. Review status: criteria provided, single submitter. Criteria: Ambry Variant Classification Scheme 2023. Collection method: clinical testing. Allele origin: germline.
Comment: The p.D1832N variant (also known as c.5494G>A), located in coding exon 15 of the APC gene, results from a G to A substitution at nucleotide position 5494. The aspartic acid at codon 1832 is replaced by asparagine, an amino acid with highly similar properties. This amino acid position is well conserved in available vertebrate species. In addition, in silico predictors for this gene do not accurately predict pathogenicity. Missense alterations in APC are not a common cause of disease (Spier I et al. Genet Med. 2024 Feb;26(2):100992). Based on the available evidence, the clinical significance of this variant remains unclear.

Labcorp Genetics (formerly Invitae), Labcorp
Classification: Uncertain significance for Familial adenomatous polyposis 1. Last evaluated: 2024-01-10. Review status: criteria provided, single submitter. Criteria: Invitae Variant Classification Sherloc (09022015). Collection method: clinical testing. Allele origin: germline.
Comment: This sequence change replaces aspartic acid, which is acidic and polar, with asparagine, which is neutral and polar, at codon 1832 of the APC protein (p.Asp1832Asn). This variant is not present in population databases (gnomAD no frequency). This variant has not been reported in the literature in individuals affected with APC-related conditions. ClinVar contains an entry for this variant (Variation ID: 921945). Advanced modeling of protein sequence and biophysical properties (such as structural, functional, and spatial information, amino acid conservation, physicochemical variation, residue mobility, and thermodynamic stability) performed at Invitae indicates that this missense variant is not expected to disrupt APC protein function with a negative predictive value of 95%. In summary, the available evidence is currently insufficient to determine the role of this variant in disease. Therefore, it has been classified as a Variant of Uncertain Significance.

Color Diagnostics, LLC DBA Color Health
Classification: Uncertain significance for Hereditary cancer-predisposing syndrome. Last evaluated: 2023-12-05. Review status: criteria provided, single submitter. Criteria: ACMG Guidelines, 2015. Collection method: clinical testing. Allele origin: germline.
Comment: This missense variant replaces aspartic acid with asparagine at codon 1832 of the APC protein. Computational prediction suggests that this variant may not impact protein structure and function (internally defined REVEL score threshold <= 0.5, PMID: 27666373). To our knowledge, functional studies have not been reported for this variant. This variant has not been reported in individuals affected with APC-related disorders in the literature. This variant has not been identified in the general population by the Genome Aggregation Database (gnomAD). The available evidence is insufficient to determine the role of this variant in disease conclusively. Therefore, this variant is classified as a Variant of Uncertain Significance.

NM_000038.6(APC):c.5494G>A (p.Asp1832Asn)

Gene: APC (APC regulator of Wnt signaling pathway; plus strand). Cytogenetic location: 5q22.2.
Variant type: single nucleotide variant.
Coding change: c.5494G>A on transcript NM_000038.6 (MANE Select); coding-DNA position 5494, G replaced by A.
Protein change: p.Asp1832Asn; replaces aspartic acid 1832 with asparagine.
Molecular consequence: missense variant.
Genome position (GRCh38, 1-based): chr5:112,841,088, G>A. VCF-style: chr5-112841088-G-A. GRCh37 (hg19) VCF-style: chr5-112176785-G-A.
Other names: c.5494G>A, p.Asp1832Asn (NM_001127510.3, NM_001354895.2); c.5440G>A, p.Asp1814Asn (NM_001127511.3); c.5548G>A, p.Asp1850Asn (NM_001354896.2); c.5524G>A, p.Asp1842Asn (NM_001354897.2); c.5419G>A, p.Asp1807Asn (NM_001354898.2); c.5410G>A, p.Asp1804Asn (NM_001354899.2); c.5371G>A, p.Asp1791Asn (NM_001354900.2); c.5317G>A, p.Asp1773Asn (NM_001354901.2); and 5 more; short protein forms D1731N, D1832N, D1842N, D1549N, D1741N, D1773N, D1791N, D1804N.
Identifiers: ClinVar variation 921945 (VCV000921945.10), dbSNP rs1765964836, ClinGen allele CA16033352.